The following is an entry in ClinVar:

NM_145691.4(ATPAF2):c.487G>A (p.Glu163Lys)

Gene: ATPAF2 (ATP synthase mitochondrial F1 complex assembly factor 2; minus strand). Cytogenetic location: 17p11.2.
Variant type: single nucleotide variant.
Coding change: c.487G>A on transcript NM_145691.4 (MANE Select); coding-DNA position 487, G replaced by A.
Protein change: p.Glu163Lys; replaces glutamic acid 163 with lysine.
Molecular consequence: missense variant.
Genome position (GRCh38, 1-based): chr17:18,024,640, C>T on the plus strand (G>A on the coding strand, the complement: ATPAF2 is on the minus strand). VCF-style: chr17-18024640-C-T. GRCh37 (hg19) VCF-style: chr17-17927954-C-T.
Other names: short protein forms E163K.
Identifiers: ClinVar variation 1963551 (VCV001963551.5), dbSNP rs747872103, ClinGen allele CA8421853.
Genomic context (GRCh38, chr17:18,024,640, plus strand): 5'-CGCAGGTGCCCAGTCAGTGCTTTCTGCAGGGCTGTACATCTTACCTTTTCTCAGCCCATT[C>T]GATGATTGGATCCCACTCATTCCTTTGAAGTTCCACTAATGTCTCGGGCTCCTCCACCCT-3'
Protein context (NP_663729.1, residues 153-173): LQRNEWDPII[Glu163Lys]WAEKRYGVEI

ClinVar aggregate classification (germline): Uncertain significance (1 of 4 stars; one submission).

Allele frequency attached by ClinVar (database versions not stated): gnomAD 0.00001; gnomAD exomes 0.00001; ExAC 0.00002; TOPMed 0.00002.
gnomAD v4.1: 12 of 1,613,826 alleles (0.00074%); highest among the groups gnomAD compares: African/African-American, 0.008%; no homozygotes.

Submission:

Labcorp Genetics (formerly Invitae), Labcorp
Classification: Uncertain significance. Last evaluated: 2022-08-23. Review status: criteria provided, single submitter. Criteria: Invitae Variant Classification Sherloc (09022015). Collection method: clinical testing. Allele origin: germline.
Comment: In summary, the available evidence is currently insufficient to determine the role of this variant in disease. Therefore, it has been classified as a Variant of Uncertain Significance. Algorithms developed to predict the effect of missense changes on protein structure and function output the following: SIFT: "Tolerated"; PolyPhen-2: "Benign"; Align-GVGD: "Class C0". The lysine amino acid residue is found in multiple mammalian species, which suggests that this missense change does not adversely affect protein function. This variant has not been reported in the literature in individuals affected with ATPAF2-related conditions. This variant is present in population databases (rs747872103, gnomAD 0.008%). This sequence change replaces glutamic acid, which is acidic and polar, with lysine, which is basic and polar, at codon 163 of the ATPAF2 protein (p.Glu163Lys).